The following is an entry in ClinVar:

NM_000441.2(SLC26A4):c.1545-7del

Gene: SLC26A4 (solute carrier family 26 member 4; plus strand). Cytogenetic location: 7q22.3.
Variant type: Deletion.
Coding change: c.1545-7del on transcript NM_000441.2 (MANE Select); 7 bases into the intron before coding-DNA position 1545, one base deleted (C; older notation c.1545-7delC).
Molecular consequence: intron variant.
Genome position (GRCh38, 1-based): chr7:107,698,035, C deleted. VCF-style (leftmost placement, unchanged base first): chr7-107698034-TC-T. GRCh37 (hg19) VCF-style: chr7-107338479-TC-T.
Other names: c.1545-7del (NM_000441.1).
Identifiers: ClinVar variation 165256 (VCV000165256.19), dbSNP rs727503427, ClinGen allele CA177999.

ClinVar aggregate classification (germline): Conflicting classifications of pathogenicity. Review status: criteria provided, conflicting classifications (1 of 4 stars). 4 submissions from 4 submitters: Likely pathogenic (1); Uncertain significance (1); Likely benign (2). Last evaluated 2026-01-28.

Conditions:
Autosomal recessive nonsyndromic hearing loss 4 (DFNB4). Also called: Deafness, autosomal recessive 4, with enlarged vestibular aqueduct; Deafness, autosomal recessive 4; NEUROSENSORY NONSYNDROMIC RECESSIVE DEAFNESS 4; Enlarged vestibular aqueduct, digenic; FOXI1-Related Pendred Syndrome; KCNJ10-Related Pendred Syndrome. Identifiers: Orphanet 90636, MedGen C3538946, MONDO:0010933, OMIM 600791.

Allele frequency attached by ClinVar (database versions not stated): gnomAD 0.00002 and 0.00003; TOPMed 0.00003; gnomAD exomes 0.00006 and 0.00010; ExAC 0.00011.

Submissions (4):

Labcorp Genetics (formerly Invitae), Labcorp
Classification: Likely benign. Last evaluated: 2026-01-28. Review status: criteria provided, single submitter. Criteria: Invitae Variant Classification Sherloc (09022015). Collection method: clinical testing. Allele origin: germline.

Laboratory of Prof. Karen Avraham, Tel Aviv University
Classification: Likely pathogenic for Autosomal recessive nonsyndromic hearing loss 4. Last evaluated: 2024-12-03. Review status: criteria provided, single submitter. Criteria: ACMG Guidelines, 2015. Collection method: research. Allele origin: germline. Inheritance: Autosomal recessive inheritance. Affected: yes. Observed: 1 variant allele.
Comment: Homozygosity of a very rare variant in a known deafness gene, predicted to affect splicing. There are 2 more submissions to ClinVar of affected individuals (SCV000200408.5, SCV001981884.2) supporting pathogenicity.

DFNB4; high-tone normal-to-severe HL

GeneDx
Classification: Likely benign. Last evaluated: 2021-01-05. Review status: criteria provided, single submitter. Criteria: GeneDx Variant Classification Process June 2021. Collection method: clinical testing. Allele origin: germline. Affected: yes.

Laboratory for Molecular Medicine, Mass General Brigham Personalized Medicine
Classification: Uncertain significance. Last evaluated: 2014-08-13. Review status: criteria provided, single submitter. Criteria: LMM Criteria. Collection method: clinical testing. Allele origin: germline. Observed: 1 variant allele.
Comment: Variant classified as Uncertain Significance - Favor Benign. The 1545-7delC vari ant in SLC26A4 has not been previously reported in individuals with hearing loss or in large population studies. This variant is located in the 3' splice regi on. Computational tools do not suggest an impact to splicing. However, this info rmation is not predictive enough to rule out pathogenicity. In summary, the clin ical significance of the 1547-7delC variant is uncertain.